The following is an entry in ClinVar:

NM_004304.5(ALK):c.1237A>C (p.Ser413Arg)

Gene: ALK (ALK receptor tyrosine kinase; minus strand). Cytogenetic location: 2p23.2.
Variant type: single nucleotide variant.
Coding change: c.1237A>C on transcript NM_004304.5 (MANE Select); coding-DNA position 1237, A replaced by C.
Protein change: p.Ser413Arg; replaces serine 413 with arginine.
Molecular consequence: missense variant.
Genome position (GRCh38, 1-based): chr2:29,383,777, T>G on the plus strand (A>C on the coding strand, the complement: ALK is on the minus strand). VCF-style: chr2-29383777-T-G. GRCh37 (hg19) VCF-style: chr2-29606643-T-G.
Other names: short protein forms S413R.
Identifiers: ClinVar variation 4690379 (VCV004690379.1).

ClinVar aggregate classification (germline): Uncertain significance (1 of 4 stars; one submission).

Conditions:
Neuroblastoma, susceptibility to, 3. Also called: ALK-Related Neuroblastic Tumor Susceptibility. Identifiers: Orphanet 635, MedGen C2751681, MONDO:0013083, OMIM 613014.

Submission:

Labcorp Genetics (formerly Invitae), Labcorp
Classification: Uncertain significance for Neuroblastoma, susceptibility to, 3. Last evaluated: 2025-08-19. Review status: criteria provided, single submitter. Criteria: Invitae Variant Classification Sherloc (09022015). Collection method: clinical testing. Allele origin: germline.
Comment: This sequence change replaces serine, which is neutral and polar, with arginine, which is basic and polar, at codon 413 of the ALK protein (p.Ser413Arg). This variant is not present in population databases (gnomAD no frequency). This variant has not been reported in the literature in individuals affected with ALK-related conditions. An algorithm developed to predict the effect of missense changes on protein structure and function (PolyPhen-2) suggests that this variant is likely to be disruptive. In summary, the available evidence is currently insufficient to determine the role of this variant in disease. Therefore, it has been classified as a Variant of Uncertain Significance.